The following is an entry in ClinVar:

ClinVar aggregate classification (germline): Uncertain significance (1 of 4 stars; one submission).

gnomAD v4.1: 1 of 1,614,154 alleles (0.000062%); highest among the groups gnomAD compares: South Asian, 0.0011%; no homozygotes.

Submission:

GeneDx
Classification: Uncertain significance. Last evaluated: 2024-10-11. Review status: criteria provided, single submitter. Criteria: GeneDx Variant Classification Process June 2021. Collection method: clinical testing. Allele origin: germline. Affected: yes.
Comment: Not observed at significant frequency in large population cohorts (gnomAD); In silico analysis indicates that this missense variant does not alter protein structure/function; Has not been previously published as pathogenic or benign to our knowledge

NM_001257180.2(SLC20A2):c.881C>T (p.Thr294Ile)

Gene: SLC20A2 (solute carrier family 20 member 2; minus strand). Cytogenetic location: 8p11.21.
Variant type: single nucleotide variant.
Coding change: c.881C>T on transcript NM_001257180.2 (MANE Select); coding-DNA position 881, C replaced by T.
Protein change: p.Thr294Ile; replaces threonine 294 with isoleucine.
Molecular consequence: missense variant.
Genome position (GRCh38, 1-based): chr8:42,439,503, G>A on the plus strand (C>T on the coding strand, the complement: SLC20A2 is on the minus strand). VCF-style: chr8-42439503-G-A. GRCh37 (hg19) VCF-style: chr8-42297021-G-A.
Other names: c.881C>T, p.Thr294Ile (NM_001257181.2, NM_006749.5); short protein forms T294I.
Identifiers: ClinVar variation 3777560 (VCV003777560.1).